The following is an entry in ClinVar:

NM_014271.4(IL1RAPL1):c.970G>A (p.Val324Met)

Gene: IL1RAPL1 (interleukin 1 receptor accessory protein like 1; plus strand). Cytogenetic location: Xp21.2.
Variant type: single nucleotide variant.
Coding change: c.970G>A on transcript NM_014271.4 (MANE Select); coding-DNA position 970, G replaced by A.
Protein change: p.Val324Met; replaces valine 324 with methionine.
Molecular consequence: missense variant.
Genome position (GRCh38, 1-based): chrX:29,920,007, G>A. VCF-style: chrX-29920007-G-A. GRCh37 (hg19) VCF-style: chrX-29938124-G-A.
Other names: short protein forms V324M.
Identifiers: ClinVar variation 4882247 (VCV004882247.2).

ClinVar aggregate classification (germline): Uncertain significance (1 of 4 stars; one submission).

Submission:

Dasa
Classification: Uncertain significance. Last evaluated: 2025-10-13. Review status: criteria provided, single submitter. Criteria: DASA Assertion Criteria. Collection method: clinical testing. Allele origin: germline.
Comment: NM_014271.4(IL1RAPL1):c.970G>A (p.Val324Met) is a missense variant that results in the substitution of valine with methionine. This variant is absent from population databases. The currently available literature and clinical evidence are not sufficient to establish a definitive association between this variant and the reported condition. Therefore, this variant is classified as a variant of uncertain significance.